The following is an entry in ClinVar:

ClinVar aggregate classification (germline): Benign. Review status: criteria provided, multiple submitters, no conflicts (2 of 4 stars). 2 submissions from 2 submitters: Benign (2). Last evaluated 2018-06-16.

Allele frequency attached by ClinVar (database versions not stated): 1000 Genomes Project 30x 0.02608; 1000 Genomes Project 0.02776; TOPMed 0.05791; ExAC 0.05911; gnomAD exomes 0.05919; gnomAD 0.05959 and 0.06065; ESP Exome Variant Server 0.06758.
gnomAD v4.1: 116,220 of 1,451,382 alleles (8%); highest among the groups gnomAD compares: Non-Finnish European, 9.6%; 5,444 homozygotes.

Submissions (2):

GeneDx
Classification: Benign. Last evaluated: 2018-06-16. Review status: criteria provided, single submitter. Criteria: GeneDx Variant Classification (06012015). Collection method: clinical testing. Allele origin: germline. Affected: yes.
Comment: This variant is considered likely benign or benign based on one or more of the following criteria: it is a conservative change, it occurs at a poorly conserved position in the protein, it is predicted to be benign by multiple in silico algorithms, and/or has population frequency not consistent with disease.

Breakthrough Genomics
Classification: Benign. Review status: criteria provided, single submitter. Criteria: ACMG Guidelines, 2015. Collection method: not provided. Allele origin: germline. Inheritance: Autosomal recessive inheritance. Affected: yes.

NM_001098.3(ACO2):c.941-51A>C

Gene: ACO2 (aconitase 2; plus strand). Cytogenetic location: 22q13.2.
Variant type: single nucleotide variant.
Coding change: c.941-51A>C on transcript NM_001098.3 (MANE Select); 51 bases into the intron before coding-DNA position 941, A replaced by C.
Molecular consequence: intron variant.
Genome position (GRCh38, 1-based): chr22:41,518,430, A>C. VCF-style: chr22-41518430-A-C. GRCh37 (hg19) VCF-style: chr22-41914434-A-C.
Identifiers: ClinVar variation 674096 (VCV000674096.2), dbSNP rs41276321, ClinGen allele CA10257505.